The following is an entry in ClinVar:

NM_000053.4(ATP7B):c.1813dup (p.Leu605fs)

Gene: ATP7B (ATPase copper transporting beta; minus strand). Cytogenetic location: 13q14.3.
Variant type: Duplication.
Coding change: c.1813dup on transcript NM_000053.4 (MANE Select); coding-DNA position 1813, one base duplicated (C; older notation c.1813dupC).
Protein change: p.Leu605fs; shifts the reading frame from leucine 605.
Molecular consequence: frameshift variant.
Genome position (GRCh38, 1-based): chr13:51,964,928, G duplicated on the plus strand (C on the coding strand, the reverse complement: ATP7B is on the minus strand); the first of 3 consecutive G bases (chr13:51,964,928-51,964,930); duplicating any one gives the same sequence. VCF-style (leftmost placement, unchanged base first): chr13-51964927-A-AG. GRCh37 (hg19) VCF-style: chr13-52539063-A-AG.
Other names: c.1813dup, p.Leu605fs (NM_001005918.3, NM_001330578.2, NM_001330579.2); c.1480dup, p.Leu494fs (NM_001243182.2); short protein forms L494fs, L605fs.
Identifiers: ClinVar variation 957045 (VCV000957045.9), dbSNP rs1951467428, ClinGen allele CA1139663320.

ClinVar aggregate classification (germline): Pathogenic. Review status: criteria provided, multiple submitters, no conflicts (2 of 4 stars). 2 submissions from 2 submitters: Pathogenic (2). Last evaluated 2021-08-10.

Conditions:
Wilson disease (WND). Also called: Wilson's disease. Identifiers: Orphanet 905, MedGen C0019202, MONDO:0010200, OMIM 277900. Disease mechanism: loss of function.

Submissions (2):

Genome-Nilou Lab
Classification: Pathogenic for Wilson disease. Last evaluated: 2021-08-10. Review status: criteria provided, single submitter. Criteria: ACMG Guidelines, 2015. Collection method: clinical testing. Allele origin: germline. Affected: no.

Labcorp Genetics (formerly Invitae), Labcorp
Classification: Pathogenic for Wilson disease. Last evaluated: 2019-07-05. Review status: criteria provided, single submitter. Criteria: Invitae Variant Classification Sherloc (09022015). Collection method: clinical testing. Allele origin: germline.
Comment: This variant is not present in population databases (ExAC no frequency). For these reasons, this variant has been classified as Pathogenic. Loss-of-function variants in ATP7B are known to be pathogenic (PMID: 10441329, 16283883). This variant has not been reported in the literature in individuals with ATP7B-related conditions. This sequence change creates a premature translational stop signal (p.Leu605Profs*3) in the ATP7B gene. It is expected to result in an absent or disrupted protein product.

Literature cited by the submitters: PubMed 10441329 (cited by Labcorp Genetics (formerly Invitae), Labcorp); PubMed 16283883 (cited by Labcorp Genetics (formerly Invitae), Labcorp).